The following is an entry in ClinVar:

NM_007294.4(BRCA1):c.4751C>A (p.Ala1584Asp)

Gene: BRCA1 (BRCA1 DNA repair associated; minus strand). Cytogenetic location: 17q21.31.
Variant type: single nucleotide variant.
Coding change: c.4751C>A on transcript NM_007294.4 (MANE Select); coding-DNA position 4751, C replaced by A.
Protein change: p.Ala1584Asp; replaces alanine 1584 with aspartic acid.
Molecular consequence: missense variant. On other transcripts: intron variant (1).
Genome position (GRCh38, 1-based): chr17:43,071,163, G>T on the plus strand (C>A on the coding strand, the complement: BRCA1 is on the minus strand). VCF-style: chr17-43071163-G-T. GRCh37 (hg19) VCF-style: chr17-41223180-G-T.
Other names: c.4622C>A, p.Ala1541Asp (NM_001407682.1, NM_001407683.1, NM_001407685.1 and 6 more transcripts); c.4751C>A, p.Ala1584Asp (NM_001407684.1, NM_001407593.1, NM_001407594.1 and 8 more transcripts); c.4619C>A, p.Ala1540Asp (NM_001407690.1, NM_001407691.1); c.4610C>A, p.Ala1537Asp (NM_001407692.1, NM_001407694.1, NM_001407695.1 and 13 more transcripts); c.4538C>A, p.Ala1513Asp (NM_001407571.1, NM_001407894.1, NM_001407895.1 and 12 more transcripts); c.4817C>A, p.Ala1606Asp (NM_001407581.1, NM_001407582.1); c.4814C>A, p.Ala1605Asp (NM_001407583.1, NM_001407585.1, NM_001407587.1 and 1 more transcripts); c.4811C>A, p.Ala1604Asp (NM_001407590.1, NM_001407591.1); and 71 more; short protein forms A1287D, A1456D, A1457D, A1495D, A1541D, A1556D, A1579D, A1580D.
Identifiers: ClinVar variation 3634634 (VCV003634634.2).

ClinVar aggregate classification (germline): Uncertain significance (1 of 4 stars; one submission).

Conditions:
Hereditary breast ovarian cancer syndrome. Also called: Hereditary breast and ovarian cancer syndrome; Hereditary breast and ovarian cancer syndrome (HBOC); BRCA1- and BRCA2-Associated Hereditary Breast and Ovarian Cancer; Hereditary breast and ovarian cancer; Breast and ovarian cancer; Hereditary breast and/or ovarian cancer syndrome. Identifiers: Orphanet 145, MedGen C0677776, MeSH D061325, MONDO:0003582. Disease mechanism: loss of function.

Submission:

Labcorp Genetics (formerly Invitae), Labcorp
Classification: Uncertain significance for Hereditary breast ovarian cancer syndrome. Last evaluated: 2024-07-30. Review status: criteria provided, single submitter. Criteria: Invitae Variant Classification Sherloc (09022015). Collection method: clinical testing. Allele origin: germline.
Comment: This sequence change replaces alanine, which is neutral and non-polar, with aspartic acid, which is acidic and polar, at codon 1584 of the BRCA1 protein (p.Ala1584Asp). This variant is not present in population databases (gnomAD no frequency). This variant has not been reported in the literature in individuals affected with BRCA1-related conditions. Advanced modeling of protein sequence and biophysical properties (such as structural, functional, and spatial information, amino acid conservation, physicochemical variation, residue mobility, and thermodynamic stability) performed at Invitae indicates that this missense variant is not expected to disrupt BRCA1 protein function with a negative predictive value of 95%. In summary, the available evidence is currently insufficient to determine the role of this variant in disease. Therefore, it has been classified as a Variant of Uncertain Significance.